The following is an entry in ClinVar:

NM_021098.3(CACNA1H):c.3533A>G (p.Glu1178Gly)

Gene: CACNA1H (calcium voltage-gated channel subunit alpha1 H; plus strand). Cytogenetic location: 16p13.3.
Variant type: single nucleotide variant.
Coding change: c.3533A>G on transcript NM_021098.3 (MANE Select); coding-DNA position 3533, A replaced by G.
Protein change: p.Glu1178Gly; replaces glutamic acid 1178 with glycine.
Molecular consequence: missense variant.
Genome position (GRCh38, 1-based): chr16:1,209,201, A>G. VCF-style: chr16-1209201-A-G. GRCh37 (hg19) VCF-style: chr16-1259201-A-G.
Other names: c.3533A>G, p.Glu1178Gly (NM_001005407.2); short protein forms E1178G.
Identifiers: ClinVar variation 1464039 (VCV001464039.8), dbSNP rs2141327353, ClinGen allele CA394173874.
Genomic context (GRCh38, chr16:1,209,201, plus strand): 5'-GCCAGTGTGGGGAACGTGAGTCCCTGCTGTCTGGCGAGGGCAAGGGCAGCACCGACGACG[A>G]AGCTGAGGACGGCAGGGCCGCGCCCGGGCCCCGTGCCACCCCACTGCGGCGGGCCGAGTC-3'
Protein context (NP_066921.2, residues 1168-1188): SGEGKGSTDD[Glu1178Gly]AEDGRAAPGP

ClinVar aggregate classification (germline): Uncertain significance (1 of 4 stars; one submission).

Conditions:
Idiopathic generalized epilepsy. Also called: Generalised epilepsy; EIG. Identifiers: MedGen C0270850, MONDO:0005579, OMIM 600669.
Hyperaldosteronism, familial, type IV (HALD4). Also called: FH IV; ALDOSTERONISM, PRIMARY, AND HYPERTENSION. Identifiers: Orphanet 642671, MedGen C4310756, MONDO:0014875, OMIM 617027.

Allele frequency attached by ClinVar (database versions not stated): gnomAD exomes below 0.00001.
gnomAD v4.1: 5 of 1,551,852 alleles (0.00032%); highest among the groups gnomAD compares: Non-Finnish European, 0.00044%; no homozygotes.

Submission:

Labcorp Genetics (formerly Invitae), Labcorp
Classification: Uncertain significance for Idiopathic generalized epilepsy; Hyperaldosteronism, familial, type IV. Last evaluated: 2022-07-12. Review status: criteria provided, single submitter. Criteria: Invitae Variant Classification Sherloc (09022015). Collection method: clinical testing. Allele origin: germline.
Comment: Advanced modeling of protein sequence and biophysical properties (such as structural, functional, and spatial information, amino acid conservation, physicochemical variation, residue mobility, and thermodynamic stability) performed at Invitae indicates that this missense variant is not expected to disrupt CACNA1H protein function. In summary, the available evidence is currently insufficient to determine the role of this variant in disease. Therefore, it has been classified as a Variant of Uncertain Significance. ClinVar contains an entry for this variant (Variation ID: 1464039). This variant has not been reported in the literature in individuals affected with CACNA1H-related conditions. This variant is not present in population databases (gnomAD no frequency). This sequence change replaces glutamic acid, which is acidic and polar, with glycine, which is neutral and non-polar, at codon 1178 of the CACNA1H protein (p.Glu1178Gly).